The following is an entry in ClinVar:

ClinVar aggregate classification (germline): Likely benign. Review status: criteria provided, multiple submitters, no conflicts (2 of 4 stars). 3 submissions from 3 submitters: Likely benign (3). Last evaluated 2024-10-10.

Conditions:
Cerebral folate transport deficiency. Also called: FOLATE RECEPTOR DEFICIENCY; NEURODEGENERATION DUE TO CEREBRAL FOLATE TRANSPORT DEFICIENCY; Cerebral folate deficiency syndrome; Neurodegenerative syndrome due to cerebral folate transport deficiency; FOLR1-Related Cerebral Folate Transport Deficiency. Identifiers: Orphanet 217382, MedGen C2751584, MONDO:0013110, OMIM 613068. Disease mechanism: loss of function.

Allele frequency attached by ClinVar (database versions not stated): gnomAD exomes 0.00001 and 0.00002; TOPMed 0.00001; ExAC 0.00002; 1000 Genomes Project 30x 0.00016; 1000 Genomes Project 0.00020.
gnomAD v4.1: 17 of 1,614,220 alleles (0.0011%); highest among the groups gnomAD compares: Admixed American, 0.0067%; no homozygotes.

Submissions (3):

Labcorp Genetics (formerly Invitae), Labcorp
Classification: Likely benign for Cerebral folate transport deficiency. Last evaluated: 2024-10-10. Review status: criteria provided, single submitter. Criteria: Invitae Variant Classification Sherloc (09022015). Collection method: clinical testing. Allele origin: germline.

Blueprint Genetics
Classification: Likely benign. Last evaluated: 2024-08-13. Review status: criteria provided, single submitter. Criteria: ACMG Guidelines, 2015. Collection method: clinical testing. Allele origin: germline.

GeneDx
Classification: Likely benign. Last evaluated: 2018-03-08. Review status: criteria provided, single submitter. Criteria: GeneDx Variant Classification (06012015). Collection method: clinical testing. Allele origin: germline. Affected: yes.
Comment: This variant is considered likely benign or benign based on one or more of the following criteria: it is a conservative change, it occurs at a poorly conserved position in the protein, it is predicted to be benign by multiple in silico algorithms, and/or has population frequency not consistent with disease.

NM_016729.3(FOLR1):c.493+12G>A

Genes: FOLR1 (folate receptor alpha; plus strand), FOLR1-AS1 (FOLR1 antisense RNA 1; minus strand). Cytogenetic location: 11q13.4.
Variant type: single nucleotide variant.
Coding change: c.493+12G>A on transcript NM_016729.3 (MANE Select); 12 bases into the intron after coding-DNA position 493, G replaced by A.
Molecular consequence: intron variant.
Genome position (GRCh38, 1-based): chr11:72,195,759, G>A. VCF-style: chr11-72195759-G-A. GRCh37 (hg19) VCF-style: chr11-71906803-G-A.
Other names: c.493+12G>A (NM_016724.3, NM_016725.3, NM_000802.3).
Identifiers: ClinVar variation 388857 (VCV000388857.10), dbSNP rs190090266, ClinGen allele CA6169201.
Genomic context (GRCh38, chr11:72,195,759, plus strand): 5'-TCCTACACCTGCAAGAGCAACTGGCACAAGGGCTGGAACTGGACTTCAGGTGAGGGCTGG[G>A]GTGGGCAGGAATGGAGGGATTTGGAAGTGGAGGTGTGTGGGTGTGGAACAGGTATGTGAC-3'